The following is an entry in ClinVar:

NM_198123.2(CSMD3):c.8753A>C (p.Asn2918Thr)

Gene: CSMD3 (CUB and Sushi multiple domains 3; minus strand). Cytogenetic location: 8q23.3.
Variant type: single nucleotide variant.
Coding change: c.8753A>C on transcript NM_198123.2 (MANE Select); coding-DNA position 8753, A replaced by C.
Protein change: p.Asn2918Thr; replaces asparagine 2918 with threonine.
Molecular consequence: missense variant.
Genome position (GRCh38, 1-based): chr8:112,292,572, T>G on the plus strand (A>C on the coding strand, the complement: CSMD3 is on the minus strand). VCF-style: chr8-112292572-T-G. GRCh37 (hg19) VCF-style: chr8-113304801-T-G.
Other names: c.8153A>C, p.Asn2718Thr (NM_001363185.1); c.8246A>C, p.Asn2749Thr (NM_052900.3); c.8633A>C, p.Asn2878Thr (NM_198124.2); short protein forms N2718T, N2749T, N2878T, N2918T.
Identifiers: ClinVar variation 3043856 (VCV003043856.3), dbSNP rs2130688274, ClinGen allele CA372001348.

ClinVar aggregate classification (germline): Uncertain significance (1 of 4 stars; one submission).

Conditions:
CSMD3-related disorder. Also called: CSMD3-related condition.

Submission:

PreventionGenetics, part of Exact Sciences
Classification: Uncertain significance for CSMD3-related condition. Last evaluated: 2026-07-16. Review status: criteria provided, single submitter. Criteria: ACMG Guidelines, 2015. Collection method: clinical testing. Allele origin: germline.
Comment: The CSMD3 c.8753A>C variant is predicted to result in the amino acid substitution p.Asn2918Thr. To our knowledge, this variant has not been reported in the literature or in a large population database (gnomAD), indicating this variant is rare. At this time, the clinical significance of this variant is uncertain due to the absence of conclusive functional and genetic evidence.